The following is an entry in ClinVar:

ClinVar aggregate classification (germline): Uncertain significance. Review status: criteria provided, multiple submitters, no conflicts (2 of 4 stars). 2 submissions from 2 submitters: Uncertain significance (2). Last evaluated 2023-10-23.

Conditions:
Wilson disease (WND). Also called: Wilson's disease. Identifiers: Orphanet 905, MedGen C0019202, MONDO:0010200, OMIM 277900. Disease mechanism: loss of function.

Submissions (2):

All of Us Research Program, National Institutes of Health
Classification: Uncertain significance for Wilson disease. Last evaluated: 2023-10-23. Review status: criteria provided, single submitter. Criteria: ACMG Guidelines, 2015. Collection method: clinical testing. Allele origin: germline. Inheritance: Autosomal recessive inheritance. Observed: 1 variant allele, 1 heterozygote.
Comment: This variant is located in the 5' untranslated region of the ATP7B gene. To our knowledge, functional studies have not been reported for this variant. This variant has not been reported in individuals affected with ATP7B-related disorders in the literature. This variant has not been identified in the general population by the Genome Aggregation Database (gnomAD). The available evidence is insufficient to determine the role of this variant in disease conclusively. Therefore, this variant is classified as a Variant of Uncertain Significance.

This study involves interpretation of variants in research participants for the purpose of population health screening. Participant phenotype was not available at the time of variant classification. Additional details can be found in publication PMID: 35346344, PMCID: PMC8962531

Color Diagnostics, LLC DBA Color Health
Classification: Uncertain significance for Wilson disease. Last evaluated: 2023-09-21. Review status: criteria provided, single submitter. Criteria: ACMG Guidelines, 2015. Collection method: clinical testing. Allele origin: germline.
Comment: This variant is located in the 5' untranslated region of the ATP7B gene. To our knowledge, functional studies have not been reported for this variant. This variant has not been reported in individuals affected with ATP7B-related disorders in the literature. This variant has not been identified in the general population by the Genome Aggregation Database (gnomAD). The available evidence is insufficient to determine the role of this variant in disease conclusively. Therefore, this variant is classified as a Variant of Uncertain Significance.

NM_000053.4(ATP7B):c.-7C>G

Gene: ATP7B (ATPase copper transporting beta; minus strand). Cytogenetic location: 13q14.3.
Variant type: single nucleotide variant.
Coding change: c.-7C>G on transcript NM_000053.4 (MANE Select); 7 bases upstream of the start codon, C replaced by G.
Molecular consequence: 5 prime UTR variant.
Genome position (GRCh38, 1-based): chr13:52,011,344, G>C on the plus strand (C>G on the coding strand, the complement: ATP7B is on the minus strand). VCF-style: chr13-52011344-G-C. GRCh37 (hg19) VCF-style: chr13-52585480-G-C.
Other names: c.-7C>G (NM_001005918.3, NM_001243182.2, NM_001330578.2 and 30 more transcripts); c.-194C>G (NM_001406518.1); c.-136C>G (NM_001406539.1, NM_001406543.1).
Identifiers: ClinVar variation 3074050 (VCV003074050.2), dbSNP rs2547324489, ClinGen allele CA2825002203.
Genomic context (GRCh38, chr13:52,011,344, plus strand): 5'-CACTTTCCGACTGGCCCCTTCTCTGGCTGTGATCTGTCTCTCCTGCTCAGGCATCGTCCC[G>C]CACGGACACCGAATTCTTCTCTGATCTGGCTCAGAGCAAAAGGTCACCTGGTCGGTGGAG-3'